The following is an entry in ClinVar:

ClinVar aggregate classification (germline): Pathogenic (1 of 4 stars; one submission).

Conditions:
Brody myopathy. Also called: BRODY DISEASE. Identifiers: Orphanet 53347, MedGen C1832918, MONDO:0010977, OMIM 601003.

Submission:

Labcorp Genetics (formerly Invitae), Labcorp
Classification: Pathogenic for Brody myopathy. Last evaluated: 2023-10-24. Review status: criteria provided, single submitter. Criteria: Invitae Variant Classification Sherloc (09022015). Collection method: clinical testing. Allele origin: germline.
Comment: This sequence change creates a premature translational stop signal (p.Val304Argfs*29) in the ATP2A1 gene. It is expected to result in an absent or disrupted protein product. Loss-of-function variants in ATP2A1 are known to be pathogenic (PMID: 8841193, 10914677, 23911890). This variant is not present in population databases (gnomAD no frequency). This variant has not been reported in the literature in individuals affected with ATP2A1-related conditions. For these reasons, this variant has been classified as Pathogenic.

Literature cited by the submitters: PubMed 8841193; PubMed 10914677; PubMed 23911890.

NM_004320.6(ATP2A1):c.909_920delinsACGGCATA (p.Val304fs)

Gene: ATP2A1 (ATPase sarcoplasmic/endoplasmic reticulum Ca2+ transporting 1; plus strand). Cytogenetic location: 16p11.2.
Variant type: Indel.
Coding change: c.909_920delinsACGGCATA on transcript NM_004320.6 (MANE Select); coding-DNA positions 909 to 920, TGTGGCTGCCAT replaced by ACGGCATA.
Protein change: p.Val304fs; shifts the reading frame from valine 304.
Molecular consequence: frameshift variant.
Genome position (GRCh38, 1-based): chr16:28,887,703-28,887,714, TGTGGCTGCCAT replaced by ACGGCATA. VCF-style: chr16-28887703-TGTGGCTGCCAT-ACGGCATA. GRCh37 (hg19) VCF-style: chr16-28899024-TGTGGCTGCCAT-ACGGCATA.
Other names: c.534_545delinsACGGCATA, p.Val179fs (NM_001286075.2); c.909_920delinsACGGCATA, p.Val304fs (NM_173201.5); short protein forms V304fs, V179fs.
Identifiers: ClinVar variation 464091 (VCV000464091.6), dbSNP rs1555515558, ClinGen allele CA658658453.
Genomic context (GRCh38, chr16:28,887,703, plus strand): 5'-CCATGGGGGCTCCTGGTTCCGCGGGGCCATCTACTACTTTAAGATTGCCGTGGCCTTGGC[TGTGGCTGCCAT>ACGGCATA]CCCCGAAGGTATGAAAGCCTTTCTTTTCTCCTCCCATTTGCTAATCCCATCTGCAAAGAC-3'